The following is an entry in ClinVar:

NM_000053.4(ATP7B):c.2740C>G (p.Gln914Glu)

Gene: ATP7B (ATPase copper transporting beta; minus strand). Cytogenetic location: 13q14.3.
Variant type: single nucleotide variant.
Coding change: c.2740C>G on transcript NM_000053.4 (MANE Select); coding-DNA position 2740, C replaced by G.
Protein change: p.Gln914Glu; replaces glutamine 914 with glutamic acid.
Molecular consequence: missense variant. On other transcripts: intron variant (1).
Genome position (GRCh38, 1-based): chr13:51,949,787, G>C on the plus strand (C>G on the coding strand, the complement: ATP7B is on the minus strand). VCF-style: chr13-51949787-G-C. GRCh37 (hg19) VCF-style: chr13-52523923-G-C.
Other names: c.2506C>G, p.Gln836Glu (NM_001406534.1, NM_001406538.1, NM_001330578.2 and 2 more transcripts); c.2410C>G, p.Gln804Glu (NM_001406536.1); c.2596C>G, p.Gln866Glu (NM_001406537.1, NM_001406520.1, NM_001406521.1 and 1 more transcripts); c.2311C>G, p.Gln771Glu (NM_001406539.1); c.2488C>G, p.Gln830Glu (NM_001406540.1, NM_001330579.2, NM_001406531.1 and 1 more transcripts); c.2254C>G, p.Gln752Glu (NM_001406541.1, NM_001406542.1, NM_001406546.1); c.2392C>G, p.Gln798Glu (NM_001406543.1); c.2158C>G, p.Gln720Glu (NM_001406544.1); and 9 more; short protein forms Q720E, Q771E, Q798E, Q866E, Q914E, Q698E, Q855E, Q903E.
Identifiers: ClinVar variation 2130609 (VCV002130609.4), dbSNP rs2547667500, ClinGen allele CA388033916.

ClinVar aggregate classification (germline): Uncertain significance. Review status: criteria provided, multiple submitters, no conflicts (2 of 4 stars). 2 submissions from 2 submitters: Uncertain significance (2). Last evaluated 2024-11-05.

Conditions:
Wilson disease (WND). Also called: Wilson's disease. Identifiers: Orphanet 905, MedGen C0019202, MONDO:0010200, OMIM 277900. Disease mechanism: loss of function.

Submissions (2):

Labcorp Genetics (formerly Invitae), Labcorp
Classification: Uncertain significance for Wilson disease. Last evaluated: 2024-11-05. Review status: criteria provided, single submitter. Criteria: Invitae Variant Classification Sherloc (09022015). Collection method: clinical testing. Allele origin: germline.
Comment: This sequence change replaces glutamine, which is neutral and polar, with glutamic acid, which is acidic and polar, at codon 914 of the ATP7B protein (p.Gln914Glu). This variant is not present in population databases (gnomAD no frequency). This variant has not been reported in the literature in individuals affected with ATP7B-related conditions. ClinVar contains an entry for this variant (Variation ID: 2130609). Invitae Evidence Modeling of protein sequence and biophysical properties (such as structural, functional, and spatial information, amino acid conservation, physicochemical variation, residue mobility, and thermodynamic stability) indicates that this missense variant is expected to disrupt ATP7B protein function with a positive predictive value of 80%. In summary, the available evidence is currently insufficient to determine the role of this variant in disease. Therefore, it has been classified as a Variant of Uncertain Significance.

All of Us Research Program, National Institutes of Health
Classification: Uncertain significance for Wilson disease. Last evaluated: 2023-12-13. Review status: criteria provided, single submitter. Criteria: ACMG Guidelines, 2015. Collection method: clinical testing. Allele origin: germline. Inheritance: Autosomal recessive inheritance. Observed: 1 variant allele, 1 heterozygote.
Comment: This missense variant replaces glutamine with glutamic acid at codon 914 of the ATP7B protein. Computational prediction suggests that this variant may have deleterious impact on protein structure and function (internally defined REVEL score threshold >= 0.7, PMID: 27666373). To our knowledge, functional studies have not been reported for this variant. This variant has not been reported in individuals affected with ATP7B-related disorders in the literature. This variant has not been identified in the general population by the Genome Aggregation Database (gnomAD). The available evidence is insufficient to determine the role of this variant in disease conclusively. Therefore, this variant is classified as a Variant of Uncertain Significance.

This study involves interpretation of variants in research participants for the purpose of population health screening. Participant phenotype was not available at the time of variant classification. Additional details can be found in publication PMID: 35346344, PMCID: PMC8962531